The following is an entry in ClinVar:

ClinVar aggregate classification (germline): Uncertain significance (1 of 4 stars; one submission).

Allele frequency attached by ClinVar (database versions not stated): gnomAD exomes below 0.00001 and 0.00001; ExAC 0.00001; gnomAD 0.00001; TOPMed 0.00001; ESP Exome Variant Server 0.00008.
gnomAD v4.1: 7 of 1,612,668 alleles (0.00043%); highest among the groups gnomAD compares: Non-Finnish European, 0.00059%; no homozygotes.

Submission:

Labcorp Genetics (formerly Invitae), Labcorp
Classification: Uncertain significance. Last evaluated: 2021-04-10. Review status: criteria provided, single submitter. Criteria: Invitae Variant Classification Sherloc (09022015). Collection method: clinical testing. Allele origin: germline.
Comment: This sequence change replaces alanine with valine at codon 1321 of the COL18A1 protein (p.Ala1321Val). The alanine residue is weakly conserved and there is a small physicochemical difference between alanine and valine. This variant is present in population databases (rs371861582, ExAC 0.002%). This variant has not been reported in the literature in individuals with COL18A1-related conditions. Experimental studies and prediction algorithms are not available or were not evaluated, and the functional significance of this variant is currently unknown. In summary, the available evidence is currently insufficient to determine the role of this variant in disease. Therefore, it has been classified as a Variant of Uncertain Significance.

NM_001379500.1(COL18A1):c.3971C>T (p.Ala1324Val)

Genes: COL18A1 (collagen type XVIII alpha 1 chain; plus strand), SLC19A1 (solute carrier family 19 member 1; minus strand). Cytogenetic location: 21q22.3.
Variant type: single nucleotide variant.
Coding change: c.3971C>T on transcript NM_001379500.1 (MANE Select); coding-DNA position 3971, C replaced by T.
Protein change: p.Ala1324Val; replaces alanine 1324 with valine.
Molecular consequence: missense variant.
Genome position (GRCh38, 1-based): chr21:45,512,349, C>T. VCF-style: chr21-45512349-C-T. GRCh37 (hg19) VCF-style: chr21-46932263-C-T.
Other names: c.4502C>T, p.Ala1501Val (NM_030582.4); c.5207C>T, p.Ala1736Val (NM_130444.3); short protein forms A1324V, A1736V, A1501V.
Identifiers: ClinVar variation 1497855 (VCV001497855.3), dbSNP rs371861582, ClinGen allele CA10068152.